The following is an entry in ClinVar:

NM_000179.3(MSH6):c.2062G>C (p.Val688Leu)

Gene: MSH6 (mutS homolog 6; plus strand). Cytogenetic location: 2p16.3.
Variant type: single nucleotide variant.
Coding change: c.2062G>C on transcript NM_000179.3 (MANE Select); coding-DNA position 2062, G replaced by C.
Protein change: p.Val688Leu; replaces valine 688 with leucine.
Molecular consequence: missense variant.
Genome position (GRCh38, 1-based): chr2:47,800,045, G>C. VCF-style: chr2-47800045-G-C. GRCh37 (hg19) VCF-style: chr2-48027184-G-C.
Other names: c.1672G>C, p.Val558Leu (NM_001281492.2); c.1156G>C, p.Val386Leu (NM_001281493.2, NM_001281494.2, NM_001406811.1 and 6 more transcripts); c.2158G>C, p.Val720Leu (NM_001406795.1, NM_001406802.1); c.2062G>C, p.Val688Leu (NM_001406796.1, NM_001406798.1, NM_001406800.1 and 3 more transcripts); c.1765G>C, p.Val589Leu (NM_001406797.1, NM_001406801.1, NM_001406805.1 and 10 more transcripts); c.1537G>C, p.Val513Leu (NM_001406799.1, NM_001406806.1, NM_001406807.1); c.1984G>C, p.Val662Leu (NM_001406804.1); c.2068G>C, p.Val690Leu (NM_001406813.1); and 1 more; short protein forms V386L, V632L, V688L, V720L, V558L, V662L, V690L, V513L.
Identifiers: ClinVar variation 1785251 (VCV001785251.3), dbSNP rs1201347192, ClinGen allele CA346750779.

ClinVar aggregate classification (germline): Uncertain significance. Review status: criteria provided, multiple submitters, no conflicts (2 of 4 stars). 2 submissions from 2 submitters: Uncertain significance (2). Last evaluated 2025-04-06.

Conditions:
Hereditary nonpolyposis colorectal neoplasms. Identifiers: MedGen C0009405, MeSH D003123.
Hereditary cancer-predisposing syndrome. Also called: Neoplastic Syndromes, Hereditary; Tumor predisposition; Hereditary Cancer Syndrome; Hereditary neoplastic syndrome. Identifiers: Orphanet 140162, MedGen C0027672, MeSH D009386, MONDO:0015356.

Submissions (2):

Labcorp Genetics (formerly Invitae), Labcorp
Classification: Uncertain significance for Hereditary nonpolyposis colorectal neoplasms. Last evaluated: 2025-04-06. Review status: criteria provided, single submitter. Criteria: Invitae Variant Classification Sherloc (09022015). Collection method: clinical testing. Allele origin: germline.
Comment: This sequence change replaces valine, which is neutral and non-polar, with leucine, which is neutral and non-polar, at codon 688 of the MSH6 protein (p.Val688Leu). This variant is not present in population databases (gnomAD no frequency). This variant has not been reported in the literature in individuals affected with MSH6-related conditions. ClinVar contains an entry for this variant (Variation ID: 1785251). Invitae Evidence Modeling of protein sequence and biophysical properties (such as structural, functional, and spatial information, amino acid conservation, physicochemical variation, residue mobility, and thermodynamic stability) indicates that this missense variant is not expected to disrupt MSH6 protein function with a negative predictive value of 95%. In summary, the available evidence is currently insufficient to determine the role of this variant in disease. Therefore, it has been classified as a Variant of Uncertain Significance.

Ambry Genetics
Classification: Uncertain significance for Hereditary cancer-predisposing syndrome. Last evaluated: 2021-11-23. Review status: criteria provided, single submitter. Criteria: Ambry Variant Classification Scheme 2023. Collection method: clinical testing. Allele origin: germline.
Comment: The p.V688L variant (also known as c.2062G>C), located in coding exon 4 of the MSH6 gene, results from a G to C substitution at nucleotide position 2062. The valine at codon 688 is replaced by leucine, an amino acid with highly similar properties. This amino acid position is not well conserved in available vertebrate species. In addition, this alteration is predicted to be tolerated by in silico analysis. Since supporting evidence is limited at this time, the clinical significance of this alteration remains unclear.